The following is an entry in ClinVar:

NM_001080467.3(MYO5B):c.3046-1G>T

Gene: MYO5B (myosin VB; minus strand). Cytogenetic location: 18q21.1.
Variant type: single nucleotide variant.
Coding change: c.3046-1G>T on transcript NM_001080467.3 (MANE Select); the canonical splice acceptor site of the intron before coding-DNA position 3046, G replaced by T.
Molecular consequence: splice acceptor variant.
Genome position (GRCh38, 1-based): chr18:49,880,456, C>A on the plus strand (G>T on the coding strand, the complement: MYO5B is on the minus strand). VCF-style: chr18-49880456-C-A. GRCh37 (hg19) VCF-style: chr18-47406826-C-A.
Identifiers: ClinVar variation 2998191 (VCV002998191.3), dbSNP rs374808967, ClinGen allele CA8960855.

ClinVar aggregate classification (germline): Likely pathogenic (1 of 4 stars; one submission).

Allele frequency attached by ClinVar (database versions not stated): gnomAD exomes 0.00001; ExAC 0.00002; TOPMed 0.00002; gnomAD 0.00003; ESP Exome Variant Server 0.00008.
gnomAD v4.1: 12 of 1,613,450 alleles (0.00074%); highest among the groups gnomAD compares: Non-Finnish European, 0.001%; no homozygotes.

Submission:

Labcorp Genetics (formerly Invitae), Labcorp
Classification: Likely pathogenic. Last evaluated: 2024-12-02. Review status: criteria provided, single submitter. Criteria: Invitae Variant Classification Sherloc (09022015). Collection method: clinical testing. Allele origin: germline.
Comment: This sequence change affects an acceptor splice site in intron 22 of the MYO5B gene. It is expected to disrupt RNA splicing. Variants that disrupt the donor or acceptor splice site typically lead to a loss of protein function (PMID: 16199547), and loss-of-function variants in MYO5B are known to be pathogenic (PMID: 18724368, 20186687). This variant is present in population databases (rs374808967, gnomAD 0.003%). This variant has not been reported in the literature in individuals affected with MYO5B-related conditions. ClinVar contains an entry for this variant (Variation ID: 2998191). Algorithms developed to predict the effect of sequence changes on RNA splicing suggest that this variant may disrupt the consensus splice site. In summary, the currently available evidence indicates that the variant is pathogenic, but additional data are needed to prove that conclusively. Therefore, this variant has been classified as Likely Pathogenic.

Literature cited by the submitters: PubMed 16199547; PubMed 18724368; PubMed 20186687.